The following is an entry in ClinVar:

ClinVar aggregate classification (germline): Uncertain significance (1 of 4 stars; one submission).

Conditions:
Brugada syndrome. Also called: Sudden unexplained nocturnal death syndrome; Sudden Unexplained Death Syndrome; Sudden Unexplained Nocturnal Death Syndrome (SUNDS); Sudden unexpected nocturnal death syndrome. Identifiers: Orphanet 130, MedGen C1142166, MONDO:0015263.

Submission:

Labcorp Genetics (formerly Invitae), Labcorp
Classification: Uncertain significance for Brugada syndrome. Last evaluated: 2020-09-24. Review status: criteria provided, single submitter. Criteria: Invitae Variant Classification Sherloc (09022015). Collection method: clinical testing. Allele origin: germline.
Comment: In summary, the available evidence is currently insufficient to determine the role of this variant in disease. Therefore, it has been classified as a Variant of Uncertain Significance. Experimental studies and prediction algorithms are not available or were not evaluated, and the functional significance of this variant is currently unknown. This variant has not been reported in the literature in individuals with CACNA2D1-related conditions. This variant results in a copy number gain of the genomic region encompassing exon(s) 25-39 of the CACNA2D1 gene. The 5' boundary is likely confined to intron 24. The 3' end of this event is unknown as it extends beyond the assayed region for this gene and therefore may encompass additional genes. As the precise location of this event is unknown, it may be in tandem or it may be located elsewhere in the genome.

NC_000007.13:g.(?_81579698)_(81603878_?)dup

Gene: CACNA2D1 (calcium voltage-gated channel auxiliary subunit alpha2delta 1; minus strand). Cytogenetic location: 7q21.11.
Variant type: Duplication.
Identifiers: ClinVar variation 1035421 (VCV001035421.5).